The following is an entry in ClinVar:

NM_001904.4(CTNNB1):c.124A>G (p.Thr42Ala)

Genes: CTNNB1 (catenin beta 1; plus strand), LOC126806658 (BRD4-independent group 4 enhancer GRCh37_chr3:41265899-41267098; plus strand). Cytogenetic location: 3p22.1.
Variant type: single nucleotide variant.
Coding change: c.124A>G on transcript NM_001904.4 (MANE Select); coding-DNA position 124, A replaced by G.
Protein change: p.Thr42Ala; replaces threonine 42 with alanine.
Molecular consequence: missense variant.
Genome position (GRCh38, 1-based): chr3:41,224,636, A>G. VCF-style: chr3-41224636-A-G. GRCh37 (hg19) VCF-style: chr3-41266127-A-G.
Other names: c.124A>G, p.Thr42Ala (NM_001098209.2, NM_001098210.2); c.103A>G, p.Thr35Ala (NM_001330729.2); short protein forms T35A, T42A.
Identifiers: ClinVar variation 1364336 (VCV001364336.8), dbSNP rs980491821, ClinGen allele CA74088782.

ClinVar aggregate classification (germline): Uncertain significance (1 of 4 stars; one submission).

Allele frequency attached by ClinVar (database versions not stated): gnomAD exomes 0.00001.
gnomAD v4.1: 5 of 1,613,954 alleles (0.00031%); highest among the groups gnomAD compares: Non-Finnish European, 0.00042%; no homozygotes.

Submission:

Labcorp Genetics (formerly Invitae), Labcorp
Classification: Uncertain significance. Last evaluated: 2021-06-28. Review status: criteria provided, single submitter. Criteria: Invitae Variant Classification Sherloc (09022015). Collection method: clinical testing. Allele origin: germline.
Comment: This sequence change replaces threonine with alanine at codon 42 of the CTNNB1 protein (p.Thr42Ala). The threonine residue is moderately conserved and there is a small physicochemical difference between threonine and alanine. This variant is not present in population databases (ExAC no frequency). This variant has not been reported in the literature in individuals affected with CTNNB1-related conditions. Algorithms developed to predict the effect of missense changes on protein structure and function (SIFT, PolyPhen-2, Align-GVGD) all suggest that this variant is likely to be tolerated. In summary, the available evidence is currently insufficient to determine the role of this variant in disease. Therefore, it has been classified as a Variant of Uncertain Significance.